The following is an entry in ClinVar:

ClinVar aggregate classification (germline): Uncertain significance (1 of 4 stars; one submission).

Conditions:
NR4A2-related disorder. Also called: NR4A2-related condition.

Allele frequency attached by ClinVar (database versions not stated): gnomAD exomes 0.00001; TOPMed 0.00001; ESP Exome Variant Server 0.00008.
gnomAD v4.1: 16 of 1,614,214 alleles (0.00099%); highest among the groups gnomAD compares: Non-Finnish European, 0.0013%; no homozygotes.

Submission:

PreventionGenetics, part of Exact Sciences
Classification: Uncertain significance for NR4A2-related condition. Last evaluated: 2023-06-12. Review status: criteria provided, single submitter. Criteria: ACMG Guidelines, 2015. Collection method: clinical testing. Allele origin: germline.
Comment: The NR4A2 c.1255G>T variant is predicted to result in the amino acid substitution p.Gly419Cys. To our knowledge, this variant has not been reported in the literature. This variant is reported in 0.00088% of alleles in individuals of European (Non-Finnish) descent in gnomAD. At this time, the clinical significance of this variant is uncertain due to the absence of conclusive functional and genetic evidence.

NM_006186.4(NR4A2):c.1255G>T (p.Gly419Cys)

Gene: NR4A2 (nuclear receptor subfamily 4 group A member 2; minus strand). Cytogenetic location: 2q24.1.
Variant type: single nucleotide variant.
Coding change: c.1255G>T on transcript NM_006186.4 (MANE Select); coding-DNA position 1255, G replaced by T.
Protein change: p.Gly419Cys; replaces glycine 419 with cysteine.
Molecular consequence: missense variant.
Genome position (GRCh38, 1-based): chr2:156,326,824, C>A on the plus strand (G>T on the coding strand, the complement: NR4A2 is on the minus strand). VCF-style: chr2-156326824-C-A. GRCh37 (hg19) VCF-style: chr2-157183336-C-A.
Other names: c.1066G>T, p.Gly356Cys (NM_173173.3); short protein forms G356C, G419C.
Identifiers: ClinVar variation 2632378 (VCV002632378.1), dbSNP rs375203930, ClinGen allele CA59154862.
Genomic context (GRCh38, chr2:156,326,824, plus strand): 5'-AAAGCAGGTCTTGGTCGGCTTTGGGCAGGTCTGCGAAGCCAGGGATCTTCTCTGCCCAGC[C>A]CCGGATGATCTCCATGGAGCCAGTCAGGAGATCATAGAATTGCTGGATATGCTGGGTGTC-3'
Protein context (NP_006177.1, residues 409-429): LLTGSMEIIR[Gly419Cys]WAEKIPGFAD